The following is an entry in ClinVar:

NM_201384.3(PLEC):c.1307G>A (p.Gly436Glu)

Gene: PLEC (plectin; minus strand). Cytogenetic location: 8q24.3.
Variant type: single nucleotide variant.
Coding change: c.1307G>A on transcript NM_201384.3 (MANE Select); coding-DNA position 1307, G replaced by A.
Protein change: p.Gly436Glu; replaces glycine 436 with glutamic acid.
Molecular consequence: missense variant.
Genome position (GRCh38, 1-based): chr8:143,933,308, C>T on the plus strand (G>A on the coding strand, the complement: PLEC is on the minus strand). VCF-style: chr8-143933308-C-T. GRCh37 (hg19) VCF-style: chr8-145007476-C-T.
Other names: c.1388G>A, p.Gly463Glu (NM_001410941.1, NM_000445.5); c.1265G>A, p.Gly422Glu (NM_201378.4); c.1241G>A, p.Gly414Glu (NM_201379.3); c.1718G>A, p.Gly573Glu (NM_201380.4); c.1211G>A, p.Gly404Glu (NM_201381.3); c.1307G>A, p.Gly436Glu (NM_201382.4); c.1319G>A, p.Gly440Glu (NM_201383.3); short protein forms G404E, G414E, G422E, G436E, G440E, G463E, G573E.
Identifiers: ClinVar variation 2658954 (VCV002658954.24), dbSNP rs1458628185, ClinGen allele CA372582497.

ClinVar aggregate classification (germline): Uncertain significance (1 of 4 stars; one submission).

Allele frequency attached by ClinVar (database versions not stated): TOPMed below 0.00001; gnomAD 0.00001.

Submission:

CeGaT Center for Human Genetics Tuebingen
Classification: Uncertain significance. Last evaluated: 2022-06-01. Review status: criteria provided, single submitter. Criteria: CeGaT Center For Human Genetics Tuebingen Variant Classification Criteria Version 2. Collection method: clinical testing. Allele origin: germline. Affected: yes. Observed: 1 variant allele.
Comment: PLEC: PP3